The following is an entry in ClinVar:

NM_000264.5(PTCH1):c.1450G>A (p.Gly484Arg)

Gene: PTCH1 (patched 1; minus strand). Cytogenetic location: 9q22.32.
Variant type: single nucleotide variant.
Coding change: c.1450G>A on transcript NM_000264.5 (MANE Select); coding-DNA position 1450, G replaced by A.
Protein change: p.Gly484Arg; replaces glycine 484 with arginine.
Molecular consequence: missense variant. On other transcripts: non-coding transcript variant (1), intron variant (1).
Genome position (GRCh38, 1-based): chr9:95,477,600, C>T on the plus strand (G>A on the coding strand, the complement: PTCH1 is on the minus strand). VCF-style: chr9-95477600-C-T. GRCh37 (hg19) VCF-style: chr9-98239882-C-T.
Other names: c.1252G>A, p.Gly418Arg (NM_001083602.3); c.1447G>A, p.Gly483Arg (NM_001083603.3); c.997G>A, p.Gly333Arg (NM_001083604.3, NM_001083605.3, NM_001083606.3 and 1 more transcripts); c.1347+455G>A (NM_001354918.2); short protein forms G418R, G484R, G333R, G483R.
Identifiers: ClinVar variation 838695 (VCV000838695.8), dbSNP rs1841155526, ClinGen allele CA374118480.

ClinVar aggregate classification (germline): Pathogenic (1 of 4 stars; one submission).

Conditions:
Gorlin syndrome. Also called: Basal cell nevus syndrome; Nevoid Basal Cell Carcinoma Syndrome. Identifiers: Orphanet 377, MedGen C0004779, MONDO:0007187.

Submission:

Labcorp Genetics (formerly Invitae), Labcorp
Classification: Pathogenic for Gorlin syndrome. Last evaluated: 2022-01-12. Review status: criteria provided, single submitter. Criteria: Invitae Variant Classification Sherloc (09022015). Collection method: clinical testing. Allele origin: germline.
Comment: This missense change has been observed in individuals with clinical features of basal cell nevus syndrome (PMID: 12925203, 29575684; Invitae). This sequence change replaces glycine, which is neutral and non-polar, with arginine, which is basic and polar, at codon 484 of the PTCH1 protein (p.Gly484Arg). This variant is not present in population databases (gnomAD no frequency). For these reasons, this variant has been classified as Pathogenic. Advanced modeling of protein sequence and biophysical properties (such as structural, functional, and spatial information, amino acid conservation, physicochemical variation, residue mobility, and thermodynamic stability) performed at Invitae indicates that this missense variant is expected to disrupt PTCH1 protein function. ClinVar contains an entry for this variant (Variation ID: 838695).

Literature cited by the submitters: PubMed 12925203; PubMed 29575684.